The following is an entry in ClinVar:

ClinVar aggregate classification (germline): Uncertain significance (0 of 4 stars; one submission).

Conditions:
PLXNA4-related disorder. Also called: PLXNA4-related condition.

Submission:

PreventionGenetics, part of Exact Sciences
Classification: Uncertain significance for PLXNA4-related condition. Last evaluated: 2024-03-06. Review status: no assertion criteria provided. Collection method: clinical testing. Allele origin: germline.
Comment: The PLXNA4 c.2311G>A variant is predicted to result in the amino acid substitution p.Gly771Arg. To our knowledge, this variant has not been reported in the literature or in a large population database, indicating this variant is rare. At this time, the clinical significance of this variant is uncertain due to the absence of conclusive functional and genetic evidence.

NM_020911.2(PLXNA4):c.2311G>A (p.Gly771Arg)

Gene: PLXNA4 (plexin A4; minus strand). Cytogenetic location: 7q32.3.
Variant type: single nucleotide variant.
Coding change: c.2311G>A on transcript NM_020911.2 (MANE Select); coding-DNA position 2311, G replaced by A.
Protein change: p.Gly771Arg; replaces glycine 771 with arginine.
Molecular consequence: missense variant.
Genome position (GRCh38, 1-based): chr7:132,203,407, C>T on the plus strand (G>A on the coding strand, the complement: PLXNA4 is on the minus strand). VCF-style: chr7-132203407-C-T. GRCh37 (hg19) VCF-style: chr7-131888166-C-T.
Other names: c.2311G>A, p.Gly771Arg (NM_001393897.1); short protein forms G771R.
Identifiers: ClinVar variation 3349602 (VCV003349602.1).